The following is an entry in ClinVar:

NM_004715.5(CTDP1):c.1531C>T (p.Pro511Ser)

Gene: CTDP1 (CTD phosphatase subunit 1; plus strand). Cytogenetic location: 18q23.
Variant type: single nucleotide variant.
Coding change: c.1531C>T on transcript NM_004715.5 (MANE Select); coding-DNA position 1531, C replaced by T.
Protein change: p.Pro511Ser; replaces proline 511 with serine.
Molecular consequence: missense variant.
Genome position (GRCh38, 1-based): chr18:79,714,991, C>T. VCF-style: chr18-79714991-C-T. GRCh37 (hg19) VCF-style: chr18-77474991-C-T.
Other names: c.1174C>T, p.Pro392Ser (NM_001202504.1); c.1531C>T, p.Pro511Ser (NM_001318511.2, NM_048368.4); short protein forms P392S, P511S.
Identifiers: ClinVar variation 3498124 (VCV003498124.2).

ClinVar aggregate classification (germline): Uncertain significance. Review status: criteria provided, multiple submitters, no conflicts (2 of 4 stars). 2 submissions from 2 submitters: Uncertain significance (2). Last evaluated 2025-05-16.

gnomAD v4.1: 39 of 1,579,696 alleles (0.0025%); highest among the groups gnomAD compares: Admixed American, 0.073%; 1 homozygote.

Submissions (2):

GeneDx
Classification: Uncertain significance. Last evaluated: 2025-05-16. Review status: criteria provided, single submitter. Criteria: GeneDx Variant Classification Process June 2021. Collection method: clinical testing. Allele origin: germline. Affected: yes.
Comment: In silico analysis suggests that this missense variant does not alter protein structure/function; Has not been previously published as pathogenic or benign to our knowledge

Ambry Genetics
Classification: Uncertain significance. Last evaluated: 2024-08-07. Review status: criteria provided, single submitter. Criteria: Ambry Variant Classification Scheme 2023. Collection method: clinical testing. Allele origin: germline.